The following is an entry in ClinVar:

ClinVar aggregate classification (germline): Uncertain significance (1 of 4 stars; one submission).

Conditions:
Early-onset Parkinson disease 20. Also called: PARKINSON DISEASE 20, AUTOSOMAL RECESSIVE EARLY-ONSET. Identifiers: Orphanet 391411, MedGen C3809824, MONDO:0014233, OMIM 615530.
Developmental and epileptic encephalopathy, 53. Also called: Epileptic encephalopathy, early infantile, 53. Identifiers: MedGen C4479313, MONDO:0033362, OMIM 617389.

Allele frequency attached by ClinVar (database versions not stated): gnomAD exomes below 0.00001; ExAC 0.00001.
gnomAD v4.1: 1 of 1,614,240 alleles (0.000062%); highest among the groups gnomAD compares: Admixed American, 0.0017%; no homozygotes.

Submission:

Labcorp Genetics (formerly Invitae), Labcorp
Classification: Uncertain significance for Developmental and epileptic encephalopathy, 53; Early-onset Parkinson disease 20. Last evaluated: 2017-09-20. Review status: criteria provided, single submitter. Criteria: Invitae Variant Classification Sherloc (09022015). Collection method: clinical testing. Allele origin: germline.
Comment: In summary, the available evidence is currently insufficient to determine the role of this variant in disease. Therefore, it has been classified as a Variant of Uncertain Significance. This sequence change replaces isoleucine with threonine at codon 143 of the SYNJ1 protein (p.Ile143Thr). The isoleucine residue is moderately conserved and there is a moderate physicochemical difference between isoleucine and threonine. This variant is present in population databases (rs779426150, ExAC 0.009%). This variant has not been reported in the literature in individuals with SYNJ1-related disease. Algorithms developed to predict the effect of missense changes on protein structure and function do not agree on the potential impact of this missense change (SIFT: "Deleterious"; PolyPhen-2: "Possibly Damaging"; Align-GVGD: "Class C15").

NM_203446.3(SYNJ1):c.311T>C (p.Ile104Thr)

Gene: SYNJ1 (synaptojanin 1; minus strand). Cytogenetic location: 21q22.11.
Variant type: single nucleotide variant.
Coding change: c.311T>C on transcript NM_203446.3 (MANE Select); coding-DNA position 311, T replaced by C.
Protein change: p.Ile104Thr; replaces isoleucine 104 with threonine.
Molecular consequence: missense variant.
Genome position (GRCh38, 1-based): chr21:32,700,006, A>G on the plus strand (T>C on the coding strand, the complement: SYNJ1 is on the minus strand). VCF-style: chr21-32700006-A-G. GRCh37 (hg19) VCF-style: chr21-34072316-A-G.
Other names: c.311T>C, p.Ile104Thr (NM_001160302.2, NM_001160306.2); c.428T>C, p.Ile143Thr (NM_003895.4); short protein forms I143T, I104T.
Identifiers: ClinVar variation 544551 (VCV000544551.9), dbSNP rs779426150, ClinGen allele CA10004158.